The following is an entry in ClinVar:

ClinVar aggregate classification (germline): Uncertain significance. Review status: criteria provided, multiple submitters, no conflicts (2 of 4 stars). 4 submissions from 4 submitters: Uncertain significance (4). Last evaluated 2024-08-27.

Conditions:
Cardiovascular phenotype. Identifiers: MedGen CN230736.

Allele frequency attached by ClinVar (database versions not stated): gnomAD below 0.00001 and 0.00003; gnomAD exomes 0.00005 and 0.00006; ExAC 0.00008.
gnomAD v4.1: 74 of 1,613,422 alleles (0.0046%); highest among the groups gnomAD compares: South Asian, 0.081%; 1 homozygote.

Submissions (4):

Blueprint Genetics
Classification: Uncertain significance. Last evaluated: 2024-08-27. Review status: criteria provided, single submitter. Criteria: ACMG Guidelines, 2015. Collection method: clinical testing. Allele origin: germline.

Revvity Omics, Revvity
Classification: Uncertain significance. Last evaluated: 2024-03-20. Review status: criteria provided, single submitter. Criteria: ACMG Guidelines, 2015. Collection method: clinical testing. Allele origin: germline.

Ambry Genetics
Classification: Uncertain significance for Cardiovascular phenotype. Last evaluated: 2019-06-19. Review status: criteria provided, single submitter. Criteria: Ambry Variant Classification Scheme 2023. Collection method: clinical testing. Allele origin: germline.
Comment: The p.V10770G variant (also known as c.32309T>G), located in coding exon 128 of the TTN gene, results from a T to G substitution at nucleotide position 32309. The valine at codon 10770 is replaced by glycine, an amino acid with dissimilar properties. This amino acid position is not well conserved in available vertebrate species. In addition, this alteration is predicted to be tolerated by in silico analysis. Since supporting evidence is limited at this time, the clinical significance of this alteration remains unclear.

Laboratory for Molecular Medicine, Mass General Brigham Personalized Medicine
Classification: Uncertain significance. Last evaluated: 2013-04-21. Review status: criteria provided, single submitter. Criteria: LMM Criteria. Collection method: clinical testing. Allele origin: germline. Observed: 1 variant allele.
Comment: The Val17267Gly variant in TTN has not been reported in individuals with cardiom yopathy or in large population studies. Computational analyses (biochemical amin o acid properties, conservation, AlignGVGD, PolyPhen2, and SIFT) do not provide strong support for or against an impact to the protein. Additional information i s needed to fully assess the clinical significance of this variant.

NM_001267550.2(TTN):c.59504T>G (p.Val19835Gly)

Genes: TTN (titin; minus strand), TTN-AS1 (TTN antisense RNA 1; plus strand), LOC126806424 (CDK7 strongly-dependent group 2 enhancer GRCh37_chr2:179456337-179457536; plus strand). Cytogenetic location: 2q31.2.
Variant type: single nucleotide variant.
Coding change: c.59504T>G on transcript NM_001267550.2 (MANE Select); coding-DNA position 59504, T replaced by G.
Protein change: p.Val19835Gly; replaces valine 19835 with glycine.
Molecular consequence: missense variant.
Genome position (GRCh38, 1-based): chr2:178,592,501, A>C on the plus strand (T>G on the coding strand, the complement: TTN is on the minus strand). VCF-style: chr2-178592501-A-C. GRCh37 (hg19) VCF-style: chr2-179457228-A-C.
Other names: c.51800T>G, p.Val17267Gly (NM_133378.4); c.54581T>G, p.Val18194Gly (NM_001256850.1); c.32309T>G, p.Val10770Gly (NM_003319.4); c.32684T>G, p.Val10895Gly (NM_133432.3); c.32885T>G, p.Val10962Gly (NM_133437.4); short protein forms V17267G, V19835G, V18194G, V10770G, V10895G, V10962G.
Identifiers: ClinVar variation 178881 (VCV000178881.9), dbSNP rs727504511, ClinGen allele CA183218.